The following is an entry in ClinVar:

NM_000321.3(RB1):c.1735C>G (p.Arg579Gly)

Gene: RB1 (RB transcriptional corepressor 1; plus strand). Cytogenetic location: 13q14.2.
Variant type: single nucleotide variant.
Coding change: c.1735C>G on transcript NM_000321.3 (MANE Select); coding-DNA position 1735, C replaced by G.
Protein change: p.Arg579Gly; replaces arginine 579 with glycine.
Molecular consequence: missense variant.
Genome position (GRCh38, 1-based): chr13:48,453,032, C>G. VCF-style: chr13-48453032-C-G. GRCh37 (hg19) VCF-style: chr13-49027168-C-G.
Other names: c.1735C>G, p.Arg579Gly (NM_001407165.1); short protein forms R579G.
Identifiers: ClinVar variation 3074998 (VCV003074998.1), dbSNP rs121913305, ClinGen allele CA388165507.
Genomic context (GRCh38, chr13:48,453,032, plus strand): 5'-ATTTCATCATGTTTCATATAGGATTCACCTTTATTTGATCTTATTAAACAATCAAAGGAC[C>G]GAGAAGGACCAACTGATCACCTTGAATCTGCTTGTCCTCTTAATCTTCCTCTCCAGAATA-3'
Protein context (NP_000312.2, residues 569-589): LFDLIKQSKD[Arg579Gly]EGPTDHLESA

ClinVar aggregate classification (germline): Uncertain significance (1 of 4 stars; one submission).

Conditions:
Retinoblastoma (RB1). Also called: RETINOBLASTOMA, SOMATIC. Identifiers: Orphanet 790, MedGen C0035335, MeSH D012175, MONDO:0008380, OMIM 180200, HP:0009919. Disease mechanism: loss of function. Inheritance: Both sporadic and heritable forms are tested..

Submission:

All of Us Research Program, National Institutes of Health
Classification: Uncertain significance for Retinoblastoma. Last evaluated: 2024-01-11. Review status: criteria provided, single submitter. Criteria: ACMG Guidelines, 2015. Collection method: clinical testing. Allele origin: germline. Inheritance: Autosomal dominant inheritance. Observed: 1 variant allele, 1 heterozygote.
Comment: This study involves interpretation of variants in research participants for the purpose of population health screening. Participant phenotype was not available at the time of variant classification. Additional details can be found in publication PMID: 35346344, PMCID: PMC8962531